The following is an entry in ClinVar:

NM_138927.4(SON):c.2241A>T (p.Ala747=)

Gene: SON (SON DNA and RNA binding protein; plus strand). Cytogenetic location: 21q22.11.
Variant type: single nucleotide variant.
Coding change: c.2241A>T on transcript NM_138927.4 (MANE Select); coding-DNA position 2241, A replaced by T.
Protein change: p.Ala747=; no amino-acid change (alanine 747 retained).
Molecular consequence: synonymous variant. On other transcripts: non-coding transcript variant (1), intron variant (1).
Genome position (GRCh38, 1-based): chr21:33,551,472, A>T. VCF-style: chr21-33551472-A-T. GRCh37 (hg19) VCF-style: chr21-34923778-A-T.
Other names: c.2241A>T, p.Ala747= (NM_001291411.2, NM_032195.3); c.244+5093A>T (NM_001291412.3).
Identifiers: ClinVar variation 738815 (VCV000738815.32), dbSNP rs189178754, ClinGen allele CA10009059.
Genomic context (GRCh38, chr21:33,551,472, plus strand): 5'-ATCCAACACCATGGACTCCCAAATGCTAGCGTCCAACACCATGGACTCCCAGATGCTAGC[A>T]TCCAACACCATGGACTCCCAGATGTTAGCGTCTAGCACCATGGACTCCCAGATGTTAGCA-3'
Protein context (NP_620305.3, residues 737-757): ASNTMDSQML[Ala747=]SNTMDSQMLA

ClinVar aggregate classification (germline): Likely benign. Review status: criteria provided, multiple submitters, no conflicts (2 of 4 stars). 2 submissions from 2 submitters: Likely benign (2). Last evaluated 2026-03-01.

Allele frequency attached by ClinVar (database versions not stated): ESP Exome Variant Server 0.00008; ExAC 0.00014; gnomAD exomes 0.00018; gnomAD 0.00024 and 0.00025; TOPMed 0.00026.
gnomAD v4.1: 464 of 1,613,840 alleles (0.029%); highest among the groups gnomAD compares: Non-Finnish European, 0.036%; no homozygotes.

Submissions (2):

CeGaT Center for Human Genetics Tuebingen
Classification: Likely benign. Last evaluated: 2026-03-01. Review status: criteria provided, single submitter. Criteria: CeGaT Center For Human Genetics Tuebingen Variant Classification Criteria Version 2. Collection method: clinical testing. Allele origin: germline. Affected: yes. Observed: 5 variant alleles.
Comment: SON: BP4, BP7

Labcorp Genetics (formerly Invitae), Labcorp
Classification: Likely benign. Last evaluated: 2025-11-15. Review status: criteria provided, single submitter. Criteria: Invitae Variant Classification Sherloc (09022015). Collection method: clinical testing. Allele origin: germline.